The following is an entry in ClinVar:

NM_018292.5(QRSL1):c.1212T>C (p.Ala404=)

Gene: QRSL1 (glutaminyl-tRNA amidotransferase subunit QRSL1; plus strand). Cytogenetic location: 6q21.
Variant type: single nucleotide variant.
Coding change: c.1212T>C on transcript NM_018292.5 (MANE Select); coding-DNA position 1212, T replaced by C.
Protein change: p.Ala404=; no amino-acid change (alanine 404 retained).
Molecular consequence: synonymous variant.
Genome position (GRCh38, 1-based): chr6:106,663,031, T>C. VCF-style: chr6-106663031-T-C. GRCh37 (hg19) VCF-style: chr6-107110906-T-C.
Identifiers: ClinVar variation 2722113 (VCV002722113.4), dbSNP rs528085772, ClinGen allele CA3944981.

ClinVar aggregate classification (germline): Benign/Likely benign. Review status: criteria provided, multiple submitters, no conflicts (2 of 4 stars). 2 submissions from 2 submitters: Benign (1); Likely benign (1). Last evaluated 2026-07-01.

Allele frequency attached by ClinVar (database versions not stated): TOPMed 0.00005; gnomAD 0.00017; gnomAD exomes 0.00040; ExAC 0.00085; 1000 Genomes Project 0.00120; 1000 Genomes Project 30x 0.00125.
gnomAD v4.1: 618 of 1,613,276 alleles (0.038%); highest among the groups gnomAD compares: South Asian, 0.62%; 5 homozygotes.

Submissions (2):

CeGaT Center for Human Genetics Tuebingen
Classification: Likely benign. Last evaluated: 2026-07-01. Review status: criteria provided, single submitter. Criteria: CeGaT Center For Human Genetics Tuebingen Variant Classification Criteria Version 2. Collection method: clinical testing. Allele origin: germline. Affected: yes. Observed: 1 variant allele.
Comment: QRSL1: BP4, BP7

Labcorp Genetics (formerly Invitae), Labcorp
Classification: Benign. Last evaluated: 2025-05-30. Review status: criteria provided, single submitter. Criteria: Invitae Variant Classification Sherloc (09022015). Collection method: clinical testing. Allele origin: germline.